The following is an entry in ClinVar:

ClinVar aggregate classification (germline): Likely benign. Review status: criteria provided, multiple submitters, no conflicts (2 of 4 stars). 2 submissions from 2 submitters: Likely benign (2). Last evaluated 2026-01-25.

Conditions:
VPS13B-related disorder. Also called: VPS13B-related condition.
Cohen syndrome (COH1). Also called: Cutis verticis gyrata, retinitis pigmentosa, and sensorineural deafness; PEPPER SYNDROME. Identifiers: Orphanet 193, MedGen C0265223, MONDO:0008999, OMIM 216550.

Allele frequency attached by ClinVar (database versions not stated): ESP Exome Variant Server 0.00008.
gnomAD v4.1: 11 of 1,613,950 alleles (0.00068%); highest among the groups gnomAD compares: South Asian, 0.0033%; no homozygotes.

Submissions (2):

Labcorp Genetics (formerly Invitae), Labcorp
Classification: Likely benign for Cohen syndrome. Last evaluated: 2026-01-25. Review status: criteria provided, single submitter. Criteria: Invitae Variant Classification Sherloc (09022015). Collection method: clinical testing. Allele origin: germline.

PreventionGenetics, part of Exact Sciences
Classification: Likely benign for VPS13B-related condition. Last evaluated: 2024-11-07. Review status: criteria provided, single submitter. Criteria: ACMG Guidelines, 2015. Collection method: clinical testing. Allele origin: germline.
Comment: This variant is classified as likely benign based on ACMG/AMP sequence variant interpretation guidelines (Richards et al. 2015 PMID: 25741868, with internal and published modifications).

NM_152564.5(VPS13B):c.8853A>G (p.Pro2951=)

Gene: VPS13B (vacuolar protein sorting 13 homolog B; plus strand). Cytogenetic location: 8q22.2.
Variant type: single nucleotide variant.
Coding change: c.8853A>G on transcript NM_152564.5 (MANE Select); coding-DNA position 8853, A replaced by G.
Protein change: p.Pro2951=; no amino-acid change (proline 2951 retained).
Molecular consequence: synonymous variant.
Genome position (GRCh38, 1-based): chr8:99,819,981, A>G. VCF-style: chr8-99819981-A-G. GRCh37 (hg19) VCF-style: chr8-100832209-A-G.
Other names: c.8928A>G, p.Pro2976= (NM_017890.5).
Identifiers: ClinVar variation 2067684 (VCV002067684.5), dbSNP rs147187040, ClinGen allele CA4824581.
Genomic context (GRCh38, chr8:99,819,981, plus strand): 5'-GAATGAACAGCTAAGTCAGTGGGATAGCCCAATGCGAGTGAAGCTGTCAATCTGGAAGCC[A>G]TATGTTAGAACTTTGTTGATAGAACTTCTGCCCTGGGCCCTGCTTATCAATGAATCCAAA-3'
Protein context (NP_689777.3, residues 2941-2961): PMRVKLSIWK[Pro2951=]YVRTLLIELL